The following is an entry in ClinVar:

NM_007294.4(BRCA1):c.134+5G>C

Gene: BRCA1 (BRCA1 DNA repair associated; minus strand). Cytogenetic location: 17q21.31.
Variant type: single nucleotide variant.
Coding change: c.134+5G>C on transcript NM_007294.4 (MANE Select); 5 bases into the intron after coding-DNA position 134, G replaced by C.
Molecular consequence: intron variant.
Genome position (GRCh38, 1-based): chr17:43,115,721, C>G on the plus strand (G>C on the coding strand, the complement: BRCA1 is on the minus strand). VCF-style: chr17-43115721-C-G. GRCh37 (hg19) VCF-style: chr17-41267738-C-G.
Other names: IVS3+5G>C; c.-8+5G>C (NM_001408458.1, NM_001408470.1, NM_001407848.1 and 47 more transcripts); c.-219+9556G>C (NM_001407967.1); c.-170+9556G>C (NM_001407959.1); c.-7-9188G>C (NM_001407931.1, NM_001407747.1, NM_001408511.1 and 2 more transcripts); c.-170+5G>C (NM_001407962.1, NM_001408512.1, NM_001408510.1 and 1 more transcripts); c.-55+5G>C (NM_001407885.1, NM_001407886.1, NM_001408509.1 and 52 more transcripts); c.-124+5G>C (NM_001407746.1, NM_001408468.1, NM_001407842.1 and 13 more transcripts); and 11 more.
Identifiers: ClinVar variation 37400 (VCV000037400.14), dbSNP rs80358038, ClinGen allele CA000887.
Genomic context (GRCh38, chr17:43,115,721, plus strand): 5'-TTCCTGGGTTATGAAGGACAAAAACAAAAGCTAATAATGGAGCCACATAACACATTCAAA[C>G]TTACTTGCAAAATATGTGGTCACACTTTGTGGAGACAGGTTCCTTGATCAACTCCAGACT-3'

ClinVar aggregate classification (germline): Pathogenic/Likely pathogenic. Review status: criteria provided, multiple submitters, no conflicts (2 of 4 stars). 5 submissions from 5 submitters: Pathogenic (1); Likely pathogenic (3). 1 of the submissions does not count toward it. Last evaluated 2025-11-15.

Conditions:
Hereditary cancer-predisposing syndrome. Also called: Tumor predisposition; Neoplastic Syndromes, Hereditary; Hereditary Cancer Syndrome; Hereditary neoplastic syndrome. Identifiers: Orphanet 140162, MedGen C0027672, MeSH D009386, MONDO:0015356.
Hereditary breast ovarian cancer syndrome. Also called: Hereditary breast and ovarian cancer syndrome (HBOC); Hereditary breast and ovarian cancer syndrome; Hereditary breast and ovarian cancer; Hereditary breast and/or ovarian cancer syndrome; Breast and ovarian cancer; BRCA1- and BRCA2-Associated Hereditary Breast and Ovarian Cancer. Identifiers: Orphanet 145, MedGen C0677776, MeSH D061325, MONDO:0003582. Disease mechanism: loss of function.
Breast-ovarian cancer, familial, susceptibility to, 1 (BROVCA1). Also called: OVARIAN CANCER, SUSCEPTIBILITY TO; BRCA1 Hereditary Breast and Ovarian Cancer. Identifiers: Orphanet 145, MedGen C2676676, MONDO:0011450, OMIM 604370. Disease mechanism: loss of function.

Submissions (6):

Dasa
Classification: Likely pathogenic for Breast-ovarian cancer, familial, susceptibility to, 1. Last evaluated: 2025-11-15. Review status: criteria provided, single submitter. Criteria: DASA Assertion Criteria. Collection method: clinical testing. Allele origin: germline.
Comment: NM_007294.4(BRCA1):c.134+5G>C is a splice-region variant predicted to affect normal RNA splicing. This variant affects a splice-region context with prior evidence supporting clinical relevance. Functional evidence supports an impact on the gene or gene product (PMID: 30209399). Also, this variant is absent from population databases. Computational evidence supports a deleterious effect. Based on the currently available evidence, this variant is classified as likely pathogenic.

Center for Genomic Medicine, Rigshospitalet, Copenhagen University Hospital
Classification: Likely pathogenic. Last evaluated: 2025-03-04. Review status: criteria provided, single submitter. Criteria: ACMG Guidelines, 2015. Collection method: clinical testing. Allele origin: germline.

Labcorp Genetics (formerly Invitae), Labcorp
Classification: Likely pathogenic for Hereditary breast ovarian cancer syndrome. Last evaluated: 2023-12-12. Review status: criteria provided, single submitter. Criteria: Invitae Variant Classification Sherloc (09022015). Collection method: clinical testing. Allele origin: germline.
Comment: This sequence change falls in intron 3 of the BRCA1 gene. It does not directly change the encoded amino acid sequence of the BRCA1 protein. It affects a nucleotide within the consensus splice site. This variant is not present in population databases (gnomAD no frequency). This variant has not been reported in the literature in individuals affected with BRCA1-related conditions. ClinVar contains an entry for this variant (Variation ID: 37400). Algorithms developed to predict the effect of variants on protein structure and function are not available or were not evaluated for this variant. Experimental studies have shown that this variant affects BRCA1 function (PMID: 30274973). Variants that disrupt the consensus splice site are a relatively common cause of aberrant splicing (PMID: 17576681, 9536098). Algorithms developed to predict the effect of sequence changes on RNA splicing suggest that this variant may disrupt the consensus splice site. This variant disrupts the c.134+5G nucleotide in the BRCA1 gene. Other variant(s) that disrupt this nucleotide have been determined to be pathogenic (PMID: 29280214). This suggests that this nucleotide is clinically significant, and that variants that disrupt this position are likely to be disease-causing. In summary, the currently available evidence indicates that the variant is pathogenic, but additional data are needed to prove that conclusively. Therefore, this variant has been classified as Likely Pathogenic.

Ambry Genetics
Classification: Pathogenic for Hereditary cancer-predisposing syndrome. Last evaluated: 2022-09-08. Review status: criteria provided, single submitter. Criteria: Ambry Variant Classification Scheme 2023. Collection method: clinical testing. Allele origin: germline.
Comment: The c.134+5G>C intronic pathogenic mutation results from a G to C substitution 5 nucleotides after coding exon 2 in the BRCA1 gene. This nucleotide position is highly conserved in available vertebrate species. In silico splice site analysis predicts that this alteration will weaken the native splice donor site. One functional study found that this nucleotide substitution is non-functional in a high-throughput, genome editing, haploid cell survival assay (Findlay GM et al. Nature, 2018 10;562:217-222). Two other alterations impacting the same donor site (c.134+5G>A and c.134+5G>T) have been shown to result in abnormal splicing (Baert A et al. Hum. Mutat., 2018 04;39:515-526; Ambry internal data). This variant is considered to be rare based on population cohorts in the Genome Aggregation Database (gnomAD). Based on the supporting evidence, this alteration is interpreted as a disease-causing mutation.

Sharing Clinical Reports Project (SCRP)
Classification: Likely pathogenic for Breast-ovarian cancer, familial 1. Last evaluated: 2009-03-11. Review status: no assertion criteria provided. Collection method: clinical testing. Allele origin: germline. Not counted in ClinVar's aggregate classification.

Brotman Baty Institute, University of Washington
No classification provided (evidence only). Condition: Breast-ovarian cancer, familial 1. Review status: no classification provided. Collection method: in vitro. Allele origin: not applicable. Functional consequence: functionally_abnormal. Not counted in ClinVar's aggregate classification.
ClinVar note: "not provided" was previously submitted as the classification for the variant. However, the classification appeared to be based only on an observation of functional data so it was converted to no classification on 2025-07-30.

Literature cited by the submitters: PubMed 30209399 (cited by 3 submitters); PubMed 30274973 (cited by Labcorp Genetics (formerly Invitae), Labcorp); PubMed 17576681 (cited by Labcorp Genetics (formerly Invitae), Labcorp); PubMed 9536098 (cited by Labcorp Genetics (formerly Invitae), Labcorp); PubMed 29280214 (cited by Labcorp Genetics (formerly Invitae), Labcorp).